The following is an entry in ClinVar:

ClinVar aggregate classification (germline): Uncertain significance (1 of 4 stars; one submission).

Allele frequency attached by ClinVar (database versions not stated): gnomAD exomes below 0.00001.

Submission:

Labcorp Genetics (formerly Invitae), Labcorp
Classification: Uncertain significance. Last evaluated: 2022-05-11. Review status: criteria provided, single submitter. Criteria: Invitae Variant Classification Sherloc (09022015). Collection method: clinical testing. Allele origin: germline.
Comment: In summary, the available evidence is currently insufficient to determine the role of this variant in disease. Therefore, it has been classified as a Variant of Uncertain Significance. Algorithms developed to predict the effect of missense changes on protein structure and function are either unavailable or do not agree on the potential impact of this missense change (SIFT: "Deleterious"; PolyPhen-2: "Benign"; Align-GVGD: "Class C0"). This variant has not been reported in the literature in individuals affected with TOP2B-related conditions. This variant is not present in population databases (gnomAD no frequency). This sequence change replaces isoleucine, which is neutral and non-polar, with valine, which is neutral and non-polar, at codon 939 of the TOP2B protein (p.Ile939Val).

NM_001330700.2(TOP2B):c.2830A>G (p.Ile944Val)

Gene: TOP2B (DNA topoisomerase II beta; minus strand). Cytogenetic location: 3p24.2.
Variant type: single nucleotide variant.
Coding change: c.2830A>G on transcript NM_001330700.2 (MANE Select); coding-DNA position 2830, A replaced by G.
Protein change: p.Ile944Val; replaces isoleucine 944 with valine.
Molecular consequence: missense variant.
Genome position (GRCh38, 1-based): chr3:25,620,714, T>C on the plus strand (A>G on the coding strand, the complement: TOP2B is on the minus strand). VCF-style: chr3-25620714-T-C. GRCh37 (hg19) VCF-style: chr3-25662205-T-C.
Other names: c.2815A>G, p.Ile939Val (NM_001068.3); short protein forms I944V, I939V.
Identifiers: ClinVar variation 2126291 (VCV002126291.4), dbSNP rs2470328215, ClinGen allele CA351899299.